The following is an entry in ClinVar:

ClinVar aggregate classification (germline): Conflicting classifications of pathogenicity. Review status: criteria provided, conflicting classifications (1 of 4 stars). 4 submissions from 4 submitters: Uncertain significance (1); Likely benign (3). Last evaluated 2024-10-11.

Conditions:
Charcot-Marie-Tooth disease type 2. Also called: Charcot-Marie-Tooth type 2. Identifiers: Orphanet 64746, MedGen C0270914, MONDO:0018993.
Inborn genetic diseases. Identifiers: MedGen C0950123, MeSH D030342.

Allele frequency attached by ClinVar (database versions not stated): gnomAD exomes below 0.00001; TOPMed below 0.00001; gnomAD 0.00001.
gnomAD v4.1: 4 of 1,614,166 alleles (0.00025%); highest among the groups gnomAD compares: East Asian, 0.0045%; no homozygotes.

Submissions (4):

Labcorp Genetics (formerly Invitae), Labcorp
Classification: Likely benign for Charcot-Marie-Tooth disease type 2. Last evaluated: 2024-10-11. Review status: criteria provided, single submitter. Criteria: Invitae Variant Classification Sherloc (09022015). Collection method: clinical testing. Allele origin: germline.

CeGaT Center for Human Genetics Tuebingen
Classification: Uncertain significance. Last evaluated: 2023-09-01. Review status: criteria provided, single submitter. Criteria: CeGaT Center For Human Genetics Tuebingen Variant Classification Criteria Version 2. Collection method: clinical testing. Allele origin: germline. Affected: yes. Observed: 1 variant allele.
Comment: AARS1: PM2:Supporting, BP4

Ambry Genetics
Classification: Likely benign for Inborn genetic diseases. Last evaluated: 2019-07-11. Review status: criteria provided, single submitter. Criteria: Ambry Variant Classification Scheme 2023. Collection method: clinical testing. Allele origin: germline.

GeneDx
Classification: Likely benign. Last evaluated: 2016-03-02. Review status: criteria provided, single submitter. Criteria: GeneDx Variant Classification (06012015). Collection method: clinical testing. Allele origin: germline. Affected: yes.
Comment: This variant is considered likely benign or benign based on one or more of the following criteria: it is a conservative change, it occurs at a poorly conserved position in the protein, it is predicted to be benign by multiple in silico algorithms, and/or has population frequency not consistent with disease.

NM_001605.3(AARS1):c.1842C>T (p.Ala614=)

Gene: AARS1 (alanyl-tRNA synthetase 1; minus strand). Cytogenetic location: 16q22.1.
Variant type: single nucleotide variant.
Coding change: c.1842C>T on transcript NM_001605.3 (MANE Select); coding-DNA position 1842, C replaced by T.
Protein change: p.Ala614=; no amino-acid change (alanine 614 retained).
Molecular consequence: synonymous variant.
Genome position (GRCh38, 1-based): chr16:70,259,130, G>A on the plus strand (C>T on the coding strand, the complement: AARS1 is on the minus strand). VCF-style: chr16-70259130-G-A. GRCh37 (hg19) VCF-style: chr16-70293033-G-A.
Identifiers: ClinVar variation 383479 (VCV000383479.34), dbSNP rs1057521642, ClinGen allele CA16607469.
Genomic context (GRCh38, chr16:70,259,130, plus strand): 5'-GAGGCGGTCAGGAGCAACCAATGAGCCTTTCTGGTCAGCTTCCCCAAGCACTGAGCGCAG[G>A]GCGAAGTTCAGAATGTGCGTAGCTGTGTGGTTGCTCATGATGGGTCTTCGTCGGGGCTGG-3'
Protein context (NP_001596.2, residues 604-624): NHTATHILNF[Ala614=]LRSVLGEADQ